The following is an entry in ClinVar:

NM_021937.5(EEFSEC):c.144G>T (p.Thr48=)

Genes: EEFSEC (eukaryotic elongation factor, selenocysteine-tRNA specific; plus strand), RUVBL1 (RuvB like AAA ATPase 1; minus strand), LOC129937512 (ATAC-STARR-seq lymphoblastoid silent region 14703; plus strand). Cytogenetic location: 3q21.3.
Variant type: single nucleotide variant.
Coding change: c.144G>T on transcript NM_021937.5 (MANE Select); coding-DNA position 144, G replaced by T.
Protein change: p.Thr48=; no amino-acid change (threonine 48 retained).
Molecular consequence: synonymous variant. On other transcripts: 5 prime UTR variant (1).
Genome position (GRCh38, 1-based): chr3:128,153,651, G>T. VCF-style: chr3-128153651-G-T. GRCh37 (hg19) VCF-style: chr3-127872494-G-T.
Other names: c.144G>T, p.Thr48= (NM_001437809.1, NM_001437810.1, NM_001437811.1 and 4 more transcripts); c.-488C>A (NM_001319086.1).
Identifiers: ClinVar variation 2654109 (VCV002654109.22), dbSNP rs148745324, ClinGen allele CA2599036.

ClinVar aggregate classification (germline): Likely benign (1 of 4 stars; one submission).

Allele frequency attached by ClinVar (database versions not stated): 1000 Genomes Project 30x 0.00062; ESP Exome Variant Server 0.00311; 1000 Genomes Project 0.00060.
gnomAD v4.1: 5,891 of 1,598,438 alleles (0.37%); highest among the groups gnomAD compares: Non-Finnish European, 0.43%; 21 homozygotes.

Submission:

CeGaT Center for Human Genetics Tuebingen
Classification: Likely benign. Last evaluated: 2022-05-01. Review status: criteria provided, single submitter. Criteria: CeGaT Center For Human Genetics Tuebingen Variant Classification Criteria Version 2. Collection method: clinical testing. Allele origin: germline. Affected: yes. Observed: 1 variant allele.
Comment: EEFSEC: BP4, BP7